The following is an entry in ClinVar:

NM_201253.3(CRB1):c.3750-3T>C

Gene: CRB1 (crumbs cell polarity complex component 1; plus strand). Cytogenetic location: 1q31.3.
Variant type: single nucleotide variant.
Coding change: c.3750-3T>C on transcript NM_201253.3 (MANE Select); 3 bases into the intron before coding-DNA position 3750, T replaced by C.
Molecular consequence: intron variant.
Genome position (GRCh38, 1-based): chr1:197,438,544, T>C. VCF-style: chr1-197438544-T-C. GRCh37 (hg19) VCF-style: chr1-197407674-T-C.
Other names: c.3678-3T>C (NM_001257965.2); c.2142-3T>C (NM_001257966.2); c.3414-3T>C (NM_001193640.2).
Identifiers: ClinVar variation 294689 (VCV000294689.50), dbSNP rs187937543, ClinGen allele CA1312396.

ClinVar aggregate classification (germline): Conflicting classifications of pathogenicity. Review status: criteria provided, conflicting classifications (1 of 4 stars). 6 submissions from 4 submitters: Uncertain significance (4); Benign (1); Likely benign (1). Last evaluated 2025-01-06.

Conditions:
Retinitis pigmentosa 12 (RP12). Also called: RP WITH OR WITHOUT PRESERVED PARAARTERIOLE RETINAL PIGMENT EPITHELIUM; RETINITIS PIGMENTOSA WITH OR WITHOUT PARAARTERIOLAR PRESERVATION OF RETINAL PIGMENT EPITHELIUM; RP WITH OR WITHOUT PPRPE. Identifiers: Orphanet 791, MedGen C1838647, MONDO:0010818, OMIM 600105.
Leber congenital amaurosis 8 (LCA8). Identifiers: Orphanet 65, MedGen C3151202, MONDO:0013453, OMIM 613835.
Retinitis pigmentosa (RP). Identifiers: Orphanet 791, MedGen C0035334, MeSH D012174, MONDO:0019200, OMIM 268000. Inheritance: Autosomal dominant, autosomal recessive and X linked inheritance.
Pigmented paravenous retinochoroidal atrophy. Identifiers: Orphanet 251295, MedGen C1868310, MONDO:0008246, OMIM 172870.

Allele frequency attached by ClinVar (database versions not stated): ExAC 0.00036; 1000 Genomes Project 0.00040; gnomAD exomes 0.00047; gnomAD 0.00062 and 0.00063; TOPMed 0.00067; ESP Exome Variant Server 0.00085; 1000 Genomes Project 30x 0.00094.
gnomAD v4.1: 1,763 of 1,612,034 alleles (0.11%); highest among the groups gnomAD compares: Non-Finnish European, 0.14%; 2 homozygotes.

Submissions (6):

Labcorp Genetics (formerly Invitae), Labcorp
Classification: Uncertain significance for Leber congenital amaurosis 8; Retinitis pigmentosa 12. Last evaluated: 2025-01-06. Review status: criteria provided, single submitter. Criteria: Invitae Variant Classification Sherloc (09022015). Collection method: clinical testing. Allele origin: germline.
Comment: This sequence change falls in intron 9 of the CRB1 gene. It does not directly change the encoded amino acid sequence of the CRB1 protein. It affects a nucleotide within the consensus splice site. This variant is present in population databases (rs187937543, gnomAD 0.09%), and has an allele count higher than expected for a pathogenic variant. This variant has not been reported in the literature in individuals affected with CRB1-related conditions. ClinVar contains an entry for this variant (Variation ID: 294689). Variants that disrupt the consensus splice site are a relatively common cause of aberrant splicing (PMID: 17576681, 9536098). Algorithms developed to predict the effect of sequence changes on RNA splicing suggest that this variant is not likely to affect RNA splicing. In summary, the available evidence is currently insufficient to determine the role of this variant in disease. Therefore, it has been classified as a Variant of Uncertain Significance.

Blueprint Genetics
Classification: Likely benign. Last evaluated: 2024-09-11. Review status: criteria provided, single submitter. Criteria: ACMG Guidelines, 2015. Collection method: clinical testing. Allele origin: germline.

CeGaT Center for Human Genetics Tuebingen
Classification: Uncertain significance. Last evaluated: 2019-03-01. Review status: criteria provided, single submitter. Criteria: CeGaT Center For Human Genetics Tuebingen Variant Classification Criteria Version 2. Collection method: clinical testing. Allele origin: germline. Affected: yes. Observed: 2 variant alleles.

Illumina Laboratory Services, Illumina
Classification: Uncertain significance for Retinitis pigmentosa. Last evaluated: 2018-01-12. Review status: criteria provided, single submitter. Criteria: ICSL Variant Classification Criteria 13 December 2019. Collection method: clinical testing. Allele origin: germline.

Illumina Laboratory Services, Illumina
Classification: Benign for Pigmented paravenous retinochoroidal atrophy. Last evaluated: 2018-01-12. Review status: criteria provided, single submitter. Criteria: ICSL Variant Classification Criteria 13 December 2019. Collection method: clinical testing. Allele origin: germline.
Comment: This variant was observed in the ICSL laboratory as part of a predisposition screen in an ostensibly healthy population. It had not been previously curated by ICSL or reported in the Human Gene Mutation Database (HGMD: prior to June 1st, 2018), and was therefore a candidate for classification through an automated scoring system. Utilizing variant allele frequency, disease prevalence and penetrance estimates, and inheritance mode, an automated score was calculated to assess if this variant is too frequent to cause the disease. Based on the score and internal cut-off values, a variant classified as benign is not then subjected to further curation. The score for this variant resulted in a classification of benign for this disease.

Illumina Laboratory Services, Illumina
Classification: Uncertain significance for Leber congenital amaurosis 8. Last evaluated: 2018-01-12. Review status: criteria provided, single submitter. Criteria: ICSL Variant Classification Criteria 13 December 2019. Collection method: clinical testing. Allele origin: germline.

Literature cited by the submitters: PubMed 17576681 (cited by Labcorp Genetics (formerly Invitae), Labcorp); PubMed 9536098 (cited by Labcorp Genetics (formerly Invitae), Labcorp).